The following is an entry in ClinVar:

ClinVar aggregate classification (germline): Uncertain significance (1 of 4 stars; one submission).

Submission:

GeneDx
Classification: Uncertain significance. Last evaluated: 2023-12-08. Review status: criteria provided, single submitter. Criteria: GeneDx Variant Classification Process June 2021. Collection method: clinical testing. Allele origin: germline. Affected: yes.
Comment: Not observed at significant frequency in large population cohorts (gnomAD); In silico analysis supports that this missense variant has a deleterious effect on protein structure/function; Has not been previously published as pathogenic or benign to our knowledge

NM_007118.4(TRIO):c.3227T>C (p.Leu1076Pro)

Gene: TRIO (trio Rho guanine nucleotide exchange factor; plus strand). Cytogenetic location: 5p15.2.
Variant type: single nucleotide variant.
Coding change: c.3227T>C on transcript NM_007118.4 (MANE Select); coding-DNA position 3227, T replaced by C.
Protein change: p.Leu1076Pro; replaces leucine 1076 with proline.
Molecular consequence: missense variant. On other transcripts: non-coding transcript variant (1).
Genome position (GRCh38, 1-based): chr5:14,374,239, T>C. VCF-style: chr5-14374239-T-C. GRCh37 (hg19) VCF-style: chr5-14374348-T-C.
Other names: short protein forms L1076P.
Identifiers: ClinVar variation 3365453 (VCV003365453.1).